The following is an entry in ClinVar:

NM_002691.4(POLD1):c.1432A>G (p.Ser478Gly)

Gene: POLD1 (DNA polymerase delta 1, catalytic subunit; plus strand). Cytogenetic location: 19q13.33.
Variant type: single nucleotide variant.
Coding change: c.1432A>G on transcript NM_002691.4 (MANE Select); coding-DNA position 1432, A replaced by G.
Protein change: p.Ser478Gly; replaces serine 478 with glycine.
Molecular consequence: missense variant. On other transcripts: non-coding transcript variant (1).
Genome position (GRCh38, 1-based): chr19:50,406,455, A>G. VCF-style: chr19-50406455-A-G. GRCh37 (hg19) VCF-style: chr19-50909712-A-G.
Other names: c.1432A>G, p.Ser478Gly (NM_001256849.1, NM_001308632.1); short protein forms S478G.
Identifiers: ClinVar variation 2625398 (VCV002625398.2), dbSNP rs2513994863, ClinGen allele CA406980164.

ClinVar aggregate classification (germline): Uncertain significance (1 of 4 stars; one submission).

Conditions:
Hereditary cancer-predisposing syndrome. Also called: Tumor predisposition; Hereditary Cancer Syndrome; Hereditary neoplastic syndrome; Neoplastic Syndromes, Hereditary. Identifiers: Orphanet 140162, MedGen C0027672, MeSH D009386, MONDO:0015356.

Submission:

Ambry Genetics
Classification: Uncertain significance for Hereditary cancer-predisposing syndrome. Last evaluated: 2023-08-02. Review status: criteria provided, single submitter. Criteria: Ambry Variant Classification Scheme 2023. Collection method: clinical testing. Allele origin: germline.
Comment: The p.S478G variant (also known as c.1432A>G), located in coding exon 11 of the POLD1 gene, results from an A to G substitution at nucleotide position 1432. The serine at codon 478 is replaced by glycine, an amino acid with similar properties. This amino acid position is highly conserved in available vertebrate species. In addition, the in silico prediction for this alteration is inconclusive. Since supporting evidence is limited at this time, the clinical significance of this alteration remains unclear.